The following is an entry in ClinVar:

ClinVar aggregate classification (germline): Benign. Review status: criteria provided, multiple submitters, no conflicts (2 of 4 stars). 3 submissions from 3 submitters: Benign (3). Last evaluated 2026-02-01.

Allele frequency attached by ClinVar (database versions not stated): ESP Exome Variant Server 0.00015; gnomAD 0.00143 and 0.00146; TOPMed 0.00228; gnomAD exomes 0.00234; 1000 Genomes Project 0.00240; 1000 Genomes Project 30x 0.00312; ExAC 0.00358.
gnomAD v4.1: 849 of 1,504,500 alleles (0.056%); highest among the groups gnomAD compares: Admixed American, 1.8%; 11 homozygotes.

Submissions (3):

Labcorp Genetics (formerly Invitae), Labcorp
Classification: Benign. Last evaluated: 2026-02-01. Review status: criteria provided, single submitter. Criteria: Invitae Variant Classification Sherloc (09022015). Collection method: clinical testing. Allele origin: germline.

Women's Health and Genetics/Laboratory Corporation of America, LabCorp
Classification: Benign. Last evaluated: 2017-07-04. Review status: criteria provided, single submitter. Criteria: LabCorp Variant Classification Summary - May 2015. Collection method: clinical testing. Allele origin: germline.
Comment: Variant summary: The RASA2 c.252-18C>G variant involves the alteration of a non-conserved intronic nucleotide. Mutation taster predicts a benign outcome for this variant. 3/5 splice prediction tools predict no significant impact on normal splicing. This variant was found in 249/69494 control chromosomes (2 homozygotes), predominantly observed in the Latino subpopulation at a frequency of 0.041485 (247/5954). This frequency is about 8297 times the estimated maximal expected allele frequency of a pathogenic RASA2 variant (0.000005), suggesting this is likely a benign polymorphism found primarily in the populations of Latino origin. The variant of interest has not, to our knowledge, been reported in affected individuals via publications and/or reputable databases/clinical diagnostic laboratories. Taken together, this variant is classified as benign.

Breakthrough Genomics
Classification: Benign. Review status: criteria provided, single submitter. Criteria: ACMG Guidelines, 2015. Collection method: not provided. Allele origin: germline. Inheritance: Unknown mechanism. Affected: yes.

NM_006506.5(RASA2):c.252-18C>G

Gene: RASA2 (RAS p21 protein activator 2; plus strand). Cytogenetic location: 3q23.
Variant type: single nucleotide variant.
Coding change: c.252-18C>G on transcript NM_006506.5 (MANE Select); 18 bases into the intron before coding-DNA position 252, C replaced by G.
Molecular consequence: intron variant.
Genome position (GRCh38, 1-based): chr3:141,516,310, C>G. VCF-style: chr3-141516310-C-G. GRCh37 (hg19) VCF-style: chr3-141235152-C-G.
Other names: c.252-18C>G (NM_001303245.3, NM_001303246.3).
Identifiers: ClinVar variation 496326 (VCV000496326.11), dbSNP rs184922882, ClinGen allele CA2645144.